The following is an entry in ClinVar:

NM_000492.4(CFTR):c.2929T>G (p.Ser977Ala)

Genes: CFTR (CF transmembrane conductance regulator; plus strand), CFTR-AS2 (CFTR antisense RNA 2; minus strand). Cytogenetic location: 7q31.2.
Variant type: single nucleotide variant.
Coding change: c.2929T>G on transcript NM_000492.4 (MANE Select); coding-DNA position 2929, T replaced by G.
Protein change: p.Ser977Ala; replaces serine 977 with alanine.
Molecular consequence: missense variant.
Genome position (GRCh38, 1-based): chr7:117,606,694, T>G. VCF-style: chr7-117606694-T-G. GRCh37 (hg19) VCF-style: chr7-117246748-T-G.
Other names: short protein forms S977A.
Identifiers: ClinVar variation 1002760 (VCV001002760.7), dbSNP rs137975784, ClinGen allele CA4451332.

ClinVar aggregate classification (germline): Uncertain significance. Review status: criteria provided, single submitter (1 of 4 stars). 2 submissions from 2 submitters: Uncertain significance (1). 1 of the submissions does not count toward it. Last evaluated 2021-09-01.

Conditions:
CFTR-related disorder (CFTR-RD). Also called: CFTR-related disorders; CFTR-related condition. Identifiers: MedGen C5924204, MONDO:7770004.
Cystic fibrosis (CF). Also called: MUCOVISCIDOSIS. Identifiers: Orphanet 586, MedGen C0010674, MONDO:0009061, OMIM 219700. Disease mechanism: loss of function.

Allele frequency attached by ClinVar (database versions not stated): gnomAD exomes 0.00001; gnomAD 0.00001; ESP Exome Variant Server 0.00008; TOPMed below 0.00001; ExAC 0.00002.
gnomAD v4.1: 19 of 1,586,634 alleles (0.0012%); highest among the groups gnomAD compares: Non-Finnish European, 0.0016%; no homozygotes.

Submissions (2):

Labcorp Genetics (formerly Invitae), Labcorp
Classification: Uncertain significance for Cystic fibrosis. Last evaluated: 2021-09-01. Review status: criteria provided, single submitter. Criteria: Invitae Variant Classification Sherloc (09022015). Collection method: clinical testing. Allele origin: germline.
Comment: This sequence change replaces serine with alanine at codon 977 of the CFTR protein (p.Ser977Ala). The serine residue is highly conserved and there is a moderate physicochemical difference between serine and alanine. This variant is present in population databases (rs137975784, ExAC 0.003%). This variant has not been reported in the literature in individuals affected with CFTR-related conditions. Algorithms developed to predict the effect of missense changes on protein structure and function are either unavailable or do not agree on the potential impact of this missense change (SIFT: "Deleterious"; PolyPhen-2: "Benign"; Align-GVGD: "Class C0"). This variant disrupts the p.Ser977 amino acid residue in CFTR. Other variant(s) that disrupt this residue have been determined to be pathogenic (PMID: 19318346, 23361109, 23891399). This suggests that this residue is clinically significant, and that variants that disrupt this residue are likely to be disease-causing. In summary, the available evidence is currently insufficient to determine the role of this variant in disease. Therefore, it has been classified as a Variant of Uncertain Significance.

Natera, Inc.
Classification: Uncertain significance for CFTR-related disorders. Last evaluated: 2018-09-12. Review status: no assertion criteria provided. Collection method: clinical testing. Allele origin: germline. Not counted in ClinVar's aggregate classification.

Literature cited by the submitters: PubMed 19318346 (cited by Labcorp Genetics (formerly Invitae), Labcorp); PubMed 23361109 (cited by Labcorp Genetics (formerly Invitae), Labcorp); PubMed 23891399 (cited by Labcorp Genetics (formerly Invitae), Labcorp).